The following is an entry in ClinVar:

ClinVar aggregate classification (germline): Pathogenic (1 of 4 stars; one submission).

Conditions:
Primary ciliary dyskinesia. Also called: Ciliary dyskinesia. Identifiers: Orphanet 244, MedGen C0008780, MONDO:0016575, HP:0012265.

Submission:

Labcorp Genetics (formerly Invitae), Labcorp
Classification: Pathogenic for Primary ciliary dyskinesia. Last evaluated: 2023-07-17. Review status: criteria provided, single submitter. Criteria: Invitae Variant Classification Sherloc (09022015). Collection method: clinical testing. Allele origin: germline.
Comment: This variant is a gross deletion of the genomic region encompassing exon(s) 83-85 of the DNAH8 gene. This deletion is out-of-frame, and is expected to create a premature termination codon and result in an absent or disrupted protein product. Loss-of-function variants in DNAH8 are known to be pathogenic (PMID: 24307375, 32619401, 32681648). This variant has not been reported in the literature in individuals affected with DNAH8-related conditions. For these reasons, this variant has been classified as Pathogenic.

Literature cited by the submitters: PubMed 24307375; PubMed 32619401; PubMed 32681648.

NC_000006.11:g.(?_38939348)_(38942325_?)del

Gene: DNAH8 (dynein axonemal heavy chain 8; plus strand). Cytogenetic location: 6p21.2.
Variant type: Deletion.
Identifiers: ClinVar variation 2423975 (VCV002423975.12).